The following is an entry in ClinVar:

ClinVar aggregate classification (germline): Uncertain significance (1 of 4 stars; one submission).

Allele frequency attached by ClinVar (database versions not stated): gnomAD exomes below 0.00001; TOPMed below 0.00001.
gnomAD v4.1: 1 of 1,613,654 alleles (0.000062%); highest among the groups gnomAD compares: Non-Finnish European, 0.000085%; no homozygotes.

Submission:

GeneDx
Classification: Uncertain significance. Last evaluated: 2022-06-03. Review status: criteria provided, single submitter. Criteria: GeneDx Variant Classification Process June 2021. Collection method: clinical testing. Allele origin: germline. Affected: yes.
Comment: Not observed at significant frequency in large population cohorts (gnomAD); In silico analysis supports that this missense variant has a deleterious effect on protein structure/function; Has not been previously published as pathogenic or benign to our knowledge

NM_001037333.3(CYFIP2):c.1339A>C (p.Lys447Gln)

Gene: CYFIP2 (cytoplasmic FMR1 interacting protein 2; plus strand). Cytogenetic location: 5q33.3.
Variant type: single nucleotide variant.
Coding change: c.1339A>C on transcript NM_001037333.3 (MANE Select); coding-DNA position 1339, A replaced by C.
Protein change: p.Lys447Gln; replaces lysine 447 with glutamine.
Molecular consequence: missense variant.
Genome position (GRCh38, 1-based): chr5:157,315,077, A>C. VCF-style: chr5-157315077-A-C. GRCh37 (hg19) VCF-style: chr5-156742085-A-C.
Other names: c.1261A>C, p.Lys421Gln (NM_001291721.2); c.1339A>C, p.Lys447Gln (NM_001291722.2, NM_014376.4); short protein forms K421Q, K447Q.
Identifiers: ClinVar variation 1802023 (VCV001802023.1), dbSNP rs1194250877, ClinGen allele CA361968722.
Genomic context (GRCh38, chr5:157,315,077, plus strand): 5'-TGTCCTGGCACCGCGGAGGAATATGAGAGAGCCACACGCTACAATTACACCAGTGAGGAA[A>C]AATTTGCCTTCGTTGAGGTAGGTGCAGACTCCCTGCATCTCCCTCCCTCCCCAAGGCTGC-3'
Protein context (NP_001032410.1, residues 437-457): ATRYNYTSEE[Lys447Gln]FAFVEVIAMI